The following is an entry in ClinVar:

NM_000138.5(FBN1):c.4817-2_4824del

Gene: FBN1 (fibrillin 1; minus strand). Cytogenetic location: 15q21.1.
Variant type: Deletion.
Coding change: c.4817-2_4824del on transcript NM_000138.5 (MANE Select); the canonical splice acceptor site of the intron before coding-DNA position 4817 through coding-DNA position 4824, 10 bases deleted (AGATATTGAT; older notation c.4817-2_4824delAGATATTGAT).
Molecular consequence: splice acceptor variant.
Genome position (GRCh38, 1-based): chr15:48,465,686-48,465,695, ATCAATATCT deleted on the plus strand (AGATATTGAT on the coding strand, the reverse complement: FBN1 is on the minus strand); deleting any 10 consecutive bases within chr15:48,465,686-48,465,700 gives the same sequence; the c. name uses the placement nearest the transcript's 3' end. VCF-style (leftmost placement, unchanged base first): chr15-48465685-CATCAATATCT-C. GRCh37 (hg19) VCF-style: chr15-48757882-CATCAATATCT-C.
Other names: c.4817-2_4824del (NM_001406716.1).
Identifiers: ClinVar variation 4787400 (VCV004787400.1).

ClinVar aggregate classification (germline): Likely pathogenic (1 of 4 stars; one submission).

Conditions:
Marfan syndrome (MFS). Also called: FBN1-Related Marfan Syndrome; MARFAN SYNDROME, TYPE I; Marfan syndrome type 1; Marfan's syndrome; Marfan syndrome, classic. Identifiers: Orphanet 284963, Orphanet 558, MedGen C0024796, MONDO:0007947, OMIM 154700.
Familial thoracic aortic aneurysm and aortic dissection (TAAD). Also called: Thoracic aortic aneurysms and dissections. Identifiers: Orphanet 91387, MedGen C4707243, MONDO:0019625.

Submission:

Labcorp Genetics (formerly Invitae), Labcorp
Classification: Likely pathogenic for Marfan syndrome; Familial thoracic aortic aneurysm and aortic dissection. Last evaluated: 2026-01-28. Review status: criteria provided, single submitter. Criteria: Invitae Variant Classification Sherloc (09022015). Collection method: clinical testing. Allele origin: germline.
Comment: This variant results in the deletion of part of exon 40 of the FBN1 gene. It is expected to disrupt RNA splicing. Variants that disrupt the donor or acceptor splice site typically lead to a loss of protein function (PMID: 16199547), and loss-of-function variants in FBN1 are known to be pathogenic (PMID: 17657824, 19293843). This variant is not present in population databases (gnomAD no frequency). This variant has been observed in individual(s) with clinical features of Marfan syndrome (Internal data). In summary, the currently available evidence indicates that the variant is pathogenic, but additional data are needed to prove that conclusively. Therefore, this variant has been classified as Likely Pathogenic.

Literature cited by the submitters: PubMed 16199547; PubMed 17657824; PubMed 19293843.